The following is an entry in ClinVar:

NM_001323289.2(CDKL5):c.2280A>G (p.Lys760=)

Gene: CDKL5 (cyclin dependent kinase like 5; plus strand). Cytogenetic location: Xp22.13.
Variant type: single nucleotide variant.
Coding change: c.2280A>G on transcript NM_001323289.2 (MANE Select); coding-DNA position 2280, A replaced by G.
Protein change: p.Lys760=; no amino-acid change (lysine 760 retained).
Molecular consequence: synonymous variant.
Genome position (GRCh38, 1-based): chrX:18,619,870, A>G. VCF-style: chrX-18619870-A-G. GRCh37 (hg19) VCF-style: chrX-18637990-A-G.
Other names: c.2280A>G, p.Lys760= (NM_001037343.2, NM_003159.3).
Identifiers: ClinVar variation 3571751 (VCV003571751.1).
Genomic context (GRCh38, chrX:18,619,870, plus strand): 5'-CACAATGGCAAGAAAATGATTGAAAAATCAATATGATAAAAATGTCTTCTCATTTAGGAA[A>G]AGTCCTGAAAATATTAGTCATTCAGAGCAACTCAAGGAAAAAGAGAAGCAAGGATTTTTC-3'
Protein context (NP_001310218.1, residues 750-770): SKRQPAFDPW[Lys760=]SPENISHSEQ

ClinVar aggregate classification (germline): Uncertain significance (1 of 4 stars; one submission).

Submission:

Athena Diagnostics
Classification: Uncertain significance. Last evaluated: 2024-09-27. Review status: criteria provided, single submitter. Criteria: Athena Diagnostics Criteria. Collection method: clinical testing. Allele origin: unknown.
Comment: Available data are insufficient to determine the clinical significance of the variant at this time. This variant has not been reported in large, multi-ethnic general populations. Computational tools yielded predictions that this variant is unlikely to have an effect on normal RNA splicing.